The following is an entry in ClinVar:

NM_015346.4(ZFYVE26):c.5485-75C>T

Gene: ZFYVE26 (zinc finger FYVE-type containing 26; minus strand). Cytogenetic location: 14q24.1.
Variant type: single nucleotide variant.
Coding change: c.5485-75C>T on transcript NM_015346.4 (MANE Select); 75 bases into the intron before coding-DNA position 5485, C replaced by T.
Molecular consequence: intron variant.
Genome position (GRCh38, 1-based): chr14:67,769,805, G>A on the plus strand (C>T on the coding strand, the complement: ZFYVE26 is on the minus strand). VCF-style: chr14-67769805-G-A. GRCh37 (hg19) VCF-style: chr14-68236522-G-A.
Identifiers: ClinVar variation 670343 (VCV000670343.2), dbSNP rs2295111, ClinGen allele CA15809049.
Genomic context (GRCh38, chr14:67,769,805, plus strand): 5'-CAGGAGGAGAAGAAAGAGGGAGGAGAGAAGGGGAGATTGCCATCAATCCATTTATACATG[G>A]TATTAACTACCAGTGGCTTATACTTTCTAAGAACACCAACTGCTTGGGTCTCTATTGGAA-3'

ClinVar aggregate classification (germline): Benign. Review status: criteria provided, multiple submitters, no conflicts (2 of 4 stars). 2 submissions from 2 submitters: Benign (2). Last evaluated 2018-06-14.

Allele frequency attached by ClinVar (database versions not stated): 1000 Genomes Project 30x 0.30450; 1000 Genomes Project 0.31010; TOPMed 0.40023; gnomAD 0.42673 and 0.43036; gnomAD exomes 0.54984.
gnomAD v4.1: 856,838 of 1,597,118 alleles (54%); highest among the groups gnomAD compares: Non-Finnish European, 60%; 242,961 homozygotes.

Submissions (2):

GeneDx
Classification: Benign. Last evaluated: 2018-06-14. Review status: criteria provided, single submitter. Criteria: GeneDx Variant Classification (06012015). Collection method: clinical testing. Allele origin: germline. Affected: yes.
Comment: This variant is considered likely benign or benign based on one or more of the following criteria: it is a conservative change, it occurs at a poorly conserved position in the protein, it is predicted to be benign by multiple in silico algorithms, and/or has population frequency not consistent with disease.

Breakthrough Genomics
Classification: Benign. Review status: criteria provided, single submitter. Criteria: ACMG Guidelines, 2015. Collection method: not provided. Allele origin: germline. Inheritance: Autosomal recessive inheritance. Affected: yes.